The following is an entry in ClinVar:

ClinVar aggregate classification (germline): Conflicting classifications of pathogenicity. Review status: criteria provided, conflicting classifications (1 of 4 stars). 2 submissions from 2 submitters: Uncertain significance (1); Likely benign (1). Last evaluated 2022-06-13.

Conditions:
Schuurs-Hoeijmakers syndrome. Also called: PACS1-Related Neurodevelopmental Disorder. Identifiers: Orphanet 329224, MedGen C3554343, MONDO:0014006, OMIM 615009.

Allele frequency attached by ClinVar (database versions not stated): gnomAD exomes below 0.00001.

Submissions (2):

Labcorp Genetics (formerly Invitae), Labcorp
Classification: Likely benign for Schuurs-Hoeijmakers syndrome. Last evaluated: 2022-06-13. Review status: criteria provided, single submitter. Criteria: Invitae Variant Classification Sherloc (09022015). Collection method: clinical testing. Allele origin: germline.

Baylor Genetics
Classification: Uncertain significance for Schuurs-Hoeijmakers syndrome. Last evaluated: 2018-02-13. Review status: criteria provided, single submitter. Criteria: ACMG Guidelines, 2015. Collection method: clinical testing. Allele origin: unknown. Affected: yes.
Comment: This variant was determined to be of uncertain significance according to ACMG Guidelines, 2015 [PMID:25741868].

NM_018026.4(PACS1):c.661-15T>A

Gene: PACS1 (phosphofurin acidic cluster sorting protein 1; plus strand). Cytogenetic location: 11q13.2.
Variant type: single nucleotide variant.
Coding change: c.661-15T>A on transcript NM_018026.4 (MANE Select); 15 bases into the intron before coding-DNA position 661, T replaced by A.
Molecular consequence: intron variant.
Genome position (GRCh38, 1-based): chr11:66,216,104, T>A. VCF-style: chr11-66216104-T-A. GRCh37 (hg19) VCF-style: chr11-65983575-T-A.
Identifiers: ClinVar variation 1032016 (VCV001032016.6), dbSNP rs1565150720, ClinGen allele CA1979584248.
Genomic context (GRCh38, chr11:66,216,104, plus strand): 5'-CTTGTGCATTCCTTGGCTGTGTTTCTCCAGGTGCCTCTGTAGTAACACGCCTCCACCACC[T>A]CCCCTGGCTCCTAGGTGATGCAGCATCCTAATGAAGGCGCACTGGTGCTTGGCCTACACA-3'